The following is an entry in ClinVar:

NM_000834.5(GRIN2B):c.1731T>G (p.Phe577Leu)

Gene: GRIN2B (glutamate ionotropic receptor NMDA type subunit 2B; minus strand). Cytogenetic location: 12p13.1.
Variant type: single nucleotide variant.
Coding change: c.1731T>G on transcript NM_000834.5 (MANE Select); coding-DNA position 1731, T replaced by G.
Protein change: p.Phe577Leu; replaces phenylalanine 577 with leucine.
Molecular consequence: missense variant.
Genome position (GRCh38, 1-based): chr12:13,611,774, A>C on the plus strand (T>G on the coding strand, the complement: GRIN2B is on the minus strand). VCF-style: chr12-13611774-A-C. GRCh37 (hg19) VCF-style: chr12-13764708-A-C.
Other names: c.1731T>G, p.Phe577Leu (NM_001413992.1); short protein forms F577L.
Identifiers: ClinVar variation 2950630 (VCV002950630.3), dbSNP rs2497590393, ClinGen allele CA384051482.

ClinVar aggregate classification (germline): Uncertain significance (1 of 4 stars; one submission).

Conditions:
Intellectual developmental disorder, autosomal dominant 6, with or without seizures. Also called: GRIN2B-related developmental delay, intellectual disability and autism spectrum disorder; Intellectual disability, autosomal dominant 6. Identifiers: Orphanet 589547, MedGen C3151411, MONDO:0013509, OMIM 613970.
Developmental and epileptic encephalopathy, 27 (DEE27). Also called: Epileptic encephalopathy, early infantile, 27; GRIN2B-Related Neurodevelopmental Disorder. Identifiers: Orphanet 3451, MedGen C4015316, MONDO:0014505, OMIM 616139.

Submission:

Labcorp Genetics (formerly Invitae), Labcorp
Classification: Uncertain significance for Developmental and epileptic encephalopathy, 27; Intellectual developmental disorder, autosomal dominant 6, with or without seizures. Last evaluated: 2023-08-03. Review status: criteria provided, single submitter. Criteria: Invitae Variant Classification Sherloc (09022015). Collection method: clinical testing. Allele origin: germline.
Comment: In summary, the available evidence is currently insufficient to determine the role of this variant in disease. Therefore, it has been classified as a Variant of Uncertain Significance. Advanced modeling of protein sequence and biophysical properties (such as structural, functional, and spatial information, amino acid conservation, physicochemical variation, residue mobility, and thermodynamic stability) performed at Invitae indicates that this missense variant is expected to disrupt GRIN2B protein function. This variant has not been reported in the literature in individuals affected with GRIN2B-related conditions. This variant is not present in population databases (gnomAD no frequency). This sequence change replaces phenylalanine, which is neutral and non-polar, with leucine, which is neutral and non-polar, at codon 577 of the GRIN2B protein (p.Phe577Leu).